The following is an entry in ClinVar:

ClinVar aggregate classification (germline): Likely benign. Review status: criteria provided, single submitter (1 of 4 stars). 2 submissions from 2 submitters: Likely benign (1). 1 of the submissions does not count toward it. Last evaluated 2025-08-04.

Conditions:
SHH-related disorder. Also called: SHH-related condition; SHH-related disorders.

Allele frequency attached by ClinVar (database versions not stated): TOPMed 0.00040; gnomAD 0.00044 and 0.00047; 1000 Genomes Project 0.00060; 1000 Genomes Project 30x 0.00062.
gnomAD v4.1: 72 of 152,056 alleles (0.047%); highest among the groups gnomAD compares: Non-Finnish European, 0.075%; no homozygotes.

Submissions (2):

Labcorp Genetics (formerly Invitae), Labcorp
Classification: Likely benign. Last evaluated: 2025-08-04. Review status: criteria provided, single submitter. Criteria: Invitae Variant Classification Sherloc (09022015). Collection method: clinical testing. Allele origin: germline.

PreventionGenetics, part of Exact Sciences
Classification: Likely benign for SHH-related condition. Last evaluated: 2024-08-05. Review status: no assertion criteria provided. Collection method: clinical testing. Allele origin: germline. Not counted in ClinVar's aggregate classification.
Comment: This variant is classified as likely benign based on ACMG/AMP sequence variant interpretation guidelines (Richards et al. 2015 PMID: 25741868, with internal and published modifications).

NM_022458.4(LMBR1):c.423+5045A>G

Genes: LMBR1 (limb development membrane protein 1; minus strand), SHH (sonic hedgehog signaling molecule; minus strand), ZRS (ZPA regulatory sequence; plus strand). Cytogenetic location: 7q36.3.
Variant type: single nucleotide variant.
Coding change: c.423+5045A>G on transcript NM_022458.4 (MANE Select); 5045 bases into the intron after coding-DNA position 423, A replaced by G.
Molecular consequence: intron variant.
Genome position (GRCh38, 1-based): chr7:156,791,344, T>C on the plus strand (A>G on the coding strand, the complement: LMBR1 is on the minus strand). VCF-style: chr7-156791344-T-C. GRCh37 (hg19) VCF-style: chr7-156584038-T-C.
Other names: c.360+5045A>G (NM_001363412.2); c.144+5045A>G (NM_001350954.2); c.423+5045A>G (NM_001363410.2, NM_001363409.2, NM_001350953.2); c.-112+5045A>G (NM_001350958.2, NM_001350956.2, NM_001350955.2 and 1 more transcripts); c.54+5045A>G (NM_001350957.2, NM_001363411.2).
Identifiers: ClinVar variation 1661009 (VCV001661009.9), dbSNP rs185289890, ClinGen allele CA169823463.
Genomic context (GRCh38, chr7:156,791,344, plus strand): 5'-TTCCTTAATCACTCATTTCCAACAATTTATGGATCATCAGTGGCAAAAAACGAGCAAAAA[T>C]AATGAAAGAATGCAATGAAAGCTCGTGGAGACAGAGGCTGGACTTCCTACTCACTCTGTG-3'